The following is an entry in ClinVar:

NM_020312.4(COQ9):c.79C>G (p.Arg27Gly)

Gene: COQ9 (coenzyme Q9; plus strand). Cytogenetic location: 16q21.
Variant type: single nucleotide variant.
Coding change: c.79C>G on transcript NM_020312.4 (MANE Select); coding-DNA position 79, C replaced by G.
Protein change: p.Arg27Gly; replaces arginine 27 with glycine.
Molecular consequence: missense variant.
Genome position (GRCh38, 1-based): chr16:57,451,045, C>G. VCF-style: chr16-57451045-C-G. GRCh37 (hg19) VCF-style: chr16-57484957-C-G.
Other names: short protein forms R27G.
Identifiers: ClinVar variation 214240 (VCV000214240.47), dbSNP rs140264612, ClinGen allele CA323351.

ClinVar aggregate classification (germline): Benign/Likely benign. Review status: criteria provided, multiple submitters, no conflicts (2 of 4 stars). 6 submissions from 6 submitters: Benign (3); Likely benign (2). 1 of the submissions does not count toward it. Last evaluated 2026-08-01.

Conditions:
COQ9-related disorder. Also called: COQ9-related condition.
Encephalopathy-hypertrophic cardiomyopathy-renal tubular disease syndrome. Identifiers: Orphanet 319678, MedGen C3553374, MONDO:0013840, OMIM 614654.

Allele frequency attached by ClinVar (database versions not stated): ESP Exome Variant Server 0.00046; TOPMed 0.00069; 1000 Genomes Project 30x 0.00094; 1000 Genomes Project 0.00100.
gnomAD v4.1: 2,079 of 1,613,898 alleles (0.13%); highest among the groups gnomAD compares: Middle Eastern, 2%; 30 homozygotes.

Submissions (6):

CeGaT Center for Human Genetics Tuebingen
Classification: Benign. Last evaluated: 2026-08-01. Review status: criteria provided, single submitter. Criteria: CeGaT Center For Human Genetics Tuebingen Variant Classification Criteria Version 2. Collection method: clinical testing. Allele origin: germline. Affected: yes. Observed: 4 variant alleles.
Comment: COQ9: BS1, BS2

Labcorp Genetics (formerly Invitae), Labcorp
Classification: Benign. Last evaluated: 2026-01-25. Review status: criteria provided, single submitter. Criteria: Invitae Variant Classification Sherloc (09022015). Collection method: clinical testing. Allele origin: germline.

ARUP Laboratories, Molecular Genetics and Genomics, ARUP Laboratories
Classification: Benign for Encephalopathy-hypertrophic cardiomyopathy-renal tubular disease syndrome. Last evaluated: 2018-08-01. Review status: criteria provided, single submitter. Criteria: ARUP Molecular Germline Variant Investigation Process. Collection method: clinical testing. Allele origin: germline.

Illumina Laboratory Services, Illumina
Classification: Likely benign for Encephalopathy-hypertrophic cardiomyopathy-renal tubular disease syndrome. Last evaluated: 2018-01-13. Review status: criteria provided, single submitter. Criteria: ICSL Variant Classification Criteria 13 December 2019. Collection method: clinical testing. Allele origin: germline.
Comment: This variant was observed in the ICSL laboratory as part of a predisposition screen in an ostensibly healthy population. It had not been previously curated by ICSL or reported in the Human Gene Mutation Database (HGMD: prior to June 1st, 2018), and was therefore a candidate for classification through an automated scoring system. Utilizing variant allele frequency, disease prevalence and penetrance estimates, and inheritance mode, an automated score was calculated to assess if this variant is too frequent to cause the disease. Based on the score and internal cut-off values, a variant classified as likely benign is not then subjected to further curation. The score for this variant resulted in a classification of likely benign for this disease.

Breakthrough Genomics
Classification: Likely benign. Review status: criteria provided, single submitter. Criteria: ACMG Guidelines, 2015. Collection method: not provided. Allele origin: germline. Inheritance: Autosomal recessive inheritance. Affected: yes.

PreventionGenetics, part of Exact Sciences
Classification: Benign for COQ9-related condition. Last evaluated: 2019-09-25. Review status: no assertion criteria provided. Collection method: clinical testing. Allele origin: germline. Not counted in ClinVar's aggregate classification.
Comment: This variant is classified as benign based on ACMG/AMP sequence variant interpretation guidelines (Richards et al. 2015 PMID: 25741868, with internal and published modifications).